The following is an entry in ClinVar:

NM_001142503.3(STARD8):c.1983G>C (p.Thr661=)

Gene: STARD8 (StAR related lipid transfer domain containing 8; plus strand). Cytogenetic location: Xq13.1.
Variant type: single nucleotide variant.
Coding change: c.1983G>C on transcript NM_001142503.3 (MANE Select); coding-DNA position 1983, G replaced by C.
Protein change: p.Thr661=; no amino-acid change (threonine 661 retained).
Molecular consequence: synonymous variant.
Genome position (GRCh38, 1-based): chrX:68,720,357, G>C. VCF-style: chrX-68720357-G-C. GRCh37 (hg19) VCF-style: chrX-67940199-G-C.
Other names: c.1743G>C, p.Thr581= (NM_001142504.3, NM_014725.5).
Identifiers: ClinVar variation 3388228 (VCV003388228.14).
Genomic context (GRCh38, chrX:68,720,357, plus strand): 5'-CCCAGATTACCGGGGACAGCACGTATTTGGGGTGCCACCCCTCATCCACGTGCAGCGCAC[G>C]GGCCAGCCACTGCCACAGAGCATTCAGCAAGCCATGCGCTACTTGCGCAGCCAGTGCCTG-3'
Protein context (NP_001135975.1, residues 651-671): GVPPLIHVQR[Thr661=]GQPLPQSIQQ

ClinVar aggregate classification (germline): Likely benign (1 of 4 stars; one submission).

gnomAD v4.1: 16 of 1,203,389 alleles (0.0013%); highest among the groups gnomAD compares: Non-Finnish European, 0.0018%; no homozygotes.

Submission:

CeGaT Center for Human Genetics Tuebingen
Classification: Likely benign. Last evaluated: 2024-10-01. Review status: criteria provided, single submitter. Criteria: CeGaT Center For Human Genetics Tuebingen Variant Classification Criteria Version 2. Collection method: clinical testing. Allele origin: germline. Affected: yes. Observed: 1 variant allele.
Comment: STARD8: BP4, BP7, BS2